The following is an entry in ClinVar:

NM_004736.4(XPR1):c.2018G>A (p.Arg673His)

Gene: XPR1 (xenotropic and polytropic retrovirus receptor 1; plus strand). Cytogenetic location: 1q25.3.
Variant type: single nucleotide variant.
Coding change: c.2018G>A on transcript NM_004736.4 (MANE Select); coding-DNA position 2018, G replaced by A.
Protein change: p.Arg673His; replaces arginine 673 with histidine.
Molecular consequence: missense variant. On other transcripts: non-coding transcript variant (1).
Genome position (GRCh38, 1-based): chr1:180,880,285, G>A. VCF-style: chr1-180880285-G-A. GRCh37 (hg19) VCF-style: chr1-180849421-G-A.
Other names: c.1823G>A, p.Arg608His (NM_001135669.2); short protein forms R608H, R673H.
Identifiers: ClinVar variation 982909 (VCV000982909.6), dbSNP rs368909346, ClinGen allele CA1272883.
Genomic context (GRCh38, chr1:180,880,285, plus strand): 5'-GAAACCGCCAGAAGAATCGGTCATGGAAGTACAACCAGAGCATATCCCTGCGCCGGCCTC[G>A]CCTCGCTTCTCAGTATGTATGGCTTCTACTTCTGTGAGGCATATTTCCTTTGAGTTTTAG-3'
Protein context (NP_004727.2, residues 663-683): YNQSISLRRP[Arg673His]LASQSKARDT

ClinVar aggregate classification (germline): Uncertain significance. Review status: criteria provided, multiple submitters, no conflicts (2 of 4 stars). 2 submissions from 2 submitters: Uncertain significance (2). Last evaluated 2024-09-24.

Conditions:
Basal ganglia calcification, idiopathic, 6 (PFBC6). Also called: PRIMARY FAMILIAL BRAIN CALCIFICATION 6, AUTOSOMAL DOMINANT. Identifiers: Orphanet 1980, MedGen C4225335, MONDO:0014628, OMIM 616413.

Allele frequency attached by ClinVar (database versions not stated): gnomAD 0.00005 and 0.00008; TOPMed 0.00006; ExAC 0.00007; 1000 Genomes Project 30x 0.00047; ESP Exome Variant Server 0.00008; 1000 Genomes Project 0.00060.
gnomAD v4.1: 134 of 1,614,152 alleles (0.0083%); highest among the groups gnomAD compares: East Asian, 0.087%; no homozygotes.

Submissions (2):

Labcorp Genetics (formerly Invitae), Labcorp
Classification: Uncertain significance. Last evaluated: 2024-09-24. Review status: criteria provided, single submitter. Criteria: Invitae Variant Classification Sherloc (09022015). Collection method: clinical testing. Allele origin: germline.
Comment: This sequence change replaces arginine, which is basic and polar, with histidine, which is basic and polar, at codon 673 of the XPR1 protein (p.Arg673His). This variant is present in population databases (rs368909346, gnomAD 0.03%). This missense change has been observed in individual(s) with brain calcification (PMID: 31003906). ClinVar contains an entry for this variant (Variation ID: 982909). An algorithm developed to predict the effect of missense changes on protein structure and function (PolyPhen-2) suggests that this variant is likely to be tolerated. In summary, the available evidence is currently insufficient to determine the role of this variant in disease. Therefore, it has been classified as a Variant of Uncertain Significance.

Institute of Human Genetics, University of Leipzig Medical Center
Classification: Uncertain significance for Basal ganglia calcification, idiopathic, 6. Last evaluated: 2019-01-01. Review status: criteria provided, single submitter. Criteria: ACMG Guidelines, 2015. Collection method: clinical testing. Allele origin: unknown. Affected: yes.

Literature cited by the submitters: PubMed 31003906 (cited by Labcorp Genetics (formerly Invitae), Labcorp).